The following is an entry in ClinVar:

ClinVar aggregate classification (germline): Uncertain significance (1 of 4 stars; one submission).

Submission:

Labcorp Genetics (formerly Invitae), Labcorp
Classification: Uncertain significance. Last evaluated: 2022-01-19. Review status: criteria provided, single submitter. Criteria: Invitae Variant Classification Sherloc (09022015). Collection method: clinical testing. Allele origin: germline.
Comment: This sequence change replaces isoleucine, which is neutral and non-polar, with methionine, which is neutral and non-polar, at codon 667 of the SLC24A1 protein (p.Ile667Met). This variant is not present in population databases (gnomAD no frequency). In summary, the available evidence is currently insufficient to determine the role of this variant in disease. Therefore, it has been classified as a Variant of Uncertain Significance. Algorithms developed to predict the effect of missense changes on protein structure and function (SIFT, PolyPhen-2, Align-GVGD) all suggest that this variant is likely to be tolerated. This variant has not been reported in the literature in individuals affected with SLC24A1-related conditions.

NM_004727.3(SLC24A1):c.2001C>G (p.Ile667Met)

Gene: SLC24A1 (solute carrier family 24 member 1; plus strand). Cytogenetic location: 15q22.31.
Variant type: single nucleotide variant.
Coding change: c.2001C>G on transcript NM_004727.3 (MANE Select); coding-DNA position 2001, C replaced by G.
Protein change: p.Ile667Met; replaces isoleucine 667 with methionine.
Molecular consequence: missense variant.
Genome position (GRCh38, 1-based): chr15:65,639,651, C>G. VCF-style: chr15-65639651-C-G. GRCh37 (hg19) VCF-style: chr15-65931989-C-G.
Other names: c.2001C>G, p.Ile667Met (NM_001301031.1); c.1947C>G, p.Ile649Met (NM_001301032.1, NM_001301033.2); short protein forms I667M, I649M.
Identifiers: ClinVar variation 1368463 (VCV001368463.8), dbSNP rs2141605360, ClinGen allele CA392919862.